The following is an entry in ClinVar:

NM_000722.4(CACNA2D1):c.897G>C (p.Gln299His)

Gene: CACNA2D1 (calcium voltage-gated channel auxiliary subunit alpha2delta 1; minus strand). Cytogenetic location: 7q21.11.
Variant type: single nucleotide variant.
Coding change: c.897G>C on transcript NM_000722.4 (MANE Select); coding-DNA position 897, G replaced by C.
Protein change: p.Gln299His; replaces glutamine 299 with histidine.
Molecular consequence: missense variant.
Genome position (GRCh38, 1-based): chr7:82,038,218, C>G on the plus strand (G>C on the coding strand, the complement: CACNA2D1 is on the minus strand). VCF-style: chr7-82038218-C-G. GRCh37 (hg19) VCF-style: chr7-81667534-C-G.
Other names: c.897G>C (LRG_437t1); c.897G>C, p.Gln299His (NM_001366867.1); short protein forms Q299H.
Identifiers: ClinVar variation 423110 (VCV000423110.17), dbSNP rs141238313, ClinGen allele CA4318181.
Genomic context (GRCh38, chr7:82,038,218, plus strand): 5'-TTTCAACACTTTTTTATTTCTTACATTTGCTTGGACAAGGTGCTGAAAACAGCTTACATC[C>G]TGAGCATTGCTGTTAAACTGCAAAAGATTAAAAAGTAAATATATAAATGAACATTAAAAT-3'
Protein context (NP_000713.2, residues 289-309): VNVASFNSNA[Gln299His]DVSCFQHLVQ

ClinVar aggregate classification (germline): Uncertain significance. Review status: criteria provided, multiple submitters, no conflicts (2 of 4 stars). 4 submissions from 4 submitters: Uncertain significance (4). Last evaluated 2026-02-02.

Conditions:
Developmental and epileptic encephalopathy 110 (DEE110). Identifiers: MedGen C5774265, MONDO:0859327, OMIM 620149.
Cardiovascular phenotype. Identifiers: MedGen CN230736.
Brugada syndrome. Also called: Sudden unexpected nocturnal death syndrome; Sudden unexplained nocturnal death syndrome; Sudden Unexplained Death Syndrome; Sudden Unexplained Nocturnal Death Syndrome (SUNDS). Identifiers: Orphanet 130, MedGen C1142166, MONDO:0015263.

Allele frequency attached by ClinVar (database versions not stated): ExAC 0.00003; gnomAD exomes 0.00004 and 0.00020; gnomAD 0.00011; TOPMed 0.00011; 1000 Genomes Project 30x 0.00031; ESP Exome Variant Server 0.00038.
gnomAD v4.1: 301 of 1,613,108 alleles (0.019%); highest among the groups gnomAD compares: Non-Finnish European, 0.025%; no homozygotes.

Submissions (4):

Labcorp Genetics (formerly Invitae), Labcorp
Classification: Uncertain significance for Brugada syndrome. Last evaluated: 2026-02-02. Review status: criteria provided, single submitter. Criteria: Invitae Variant Classification Sherloc (09022015). Collection method: clinical testing. Allele origin: germline.
Comment: This sequence change replaces glutamine, which is neutral and polar, with histidine, which is basic and polar, at codon 299 of the CACNA2D1 protein (p.Gln299His). This variant is present in population databases (rs141238313, gnomAD 0.02%). This variant has not been reported in the literature in individuals affected with CACNA2D1-related conditions. ClinVar contains an entry for this variant (Variation ID: 423110). An algorithm developed to predict the effect of missense changes on protein structure and function (PolyPhen-2) suggests that this variant is likely to be tolerated. In summary, the available evidence is currently insufficient to determine the role of this variant in disease. Therefore, it has been classified as a Variant of Uncertain Significance.

Clinical Genomics Laboratory, Washington University in St. Louis
Classification: Uncertain significance for Developmental and epileptic encephalopathy 110. Last evaluated: 2026-01-24. Review status: criteria provided, single submitter. Criteria: ACMG Guidelines, 2015. Collection method: clinical testing. Allele origin: germline.
Comment: A CACNA2D1 c.897G>C (p.Gln299His) missense variant was identified in a heterozygous state. This variant, to our knowledge, has not been reported in the medical literature. It is observed in 301/1,613,108 alleles in the general population (gnomAD v4.1.0). Computational predictors suggest that the variant does not impact CACNA2D1 function. Due to limited information, the clinical significance of this variant is uncertain.

GeneDx
Classification: Uncertain significance. Last evaluated: 2025-05-23. Review status: criteria provided, single submitter. Criteria: GeneDx Variant Classification Process June 2021. Collection method: clinical testing. Allele origin: germline. Affected: yes.
Comment: Has not been previously published as pathogenic or benign to our knowledge; In silico analysis supports that this missense variant does not alter protein structure/function; Variants in candidate genes are classified as variants of uncertain significance in accordance with ACMG guidelines (PMID: 25741868)

Ambry Genetics
Classification: Uncertain significance for Cardiovascular phenotype. Last evaluated: 2025-04-24. Review status: criteria provided, single submitter. Criteria: Ambry Variant Classification Scheme 2023. Collection method: clinical testing. Allele origin: germline.
Comment: The p.Q299H variant (also known as c.897G>C), located in coding exon 11 of the CACNA2D1 gene, results from a G to C substitution at nucleotide position 897. The glutamine at codon 299 is replaced by histidine, an amino acid with highly similar properties. This amino acid position is not well conserved in available vertebrate species, and histidine is the reference amino acid in other vertebrate species. In addition, this alteration is predicted to be tolerated by in silico analysis. Since supporting evidence is limited at this time, the clinical significance of this alteration remains unclear.